The following is an entry in ClinVar:

NM_000548.5(TSC2):c.4034A>G (p.Lys1345Arg)

Gene: TSC2 (TSC complex subunit 2; plus strand). Cytogenetic location: 16p13.3.
Variant type: single nucleotide variant.
Coding change: c.4034A>G on transcript NM_000548.5 (MANE Select); coding-DNA position 4034, A replaced by G.
Protein change: p.Lys1345Arg; replaces lysine 1345 with arginine.
Molecular consequence: missense variant. On other transcripts: non-coding transcript variant (5).
Genome position (GRCh38, 1-based): chr16:2,084,256, A>G. VCF-style: chr16-2084256-A-G. GRCh37 (hg19) VCF-style: chr16-2134257-A-G.
Other names: c.3362A>G, p.Lys1121Arg (NM_001406684.1); c.3236A>G, p.Lys1079Arg (NM_001406685.1, NM_001406686.1); c.3233A>G, p.Lys1078Arg (NM_001406687.1, NM_001406688.1); c.2621A>G, p.Lys874Arg (NM_001406689.1); c.2561A>G, p.Lys854Arg (NM_001406690.1); c.2558A>G, p.Lys853Arg (NM_001406691.1); c.2492A>G, p.Lys831Arg (NM_001406692.1, NM_001406693.1, NM_001406694.1); c.3434A>G, p.Lys1145Arg (NM_001406680.1); and 26 more; short protein forms K1078R, K1079R, K1101R, K1121R, K1122R, K1125R, K1145R, K1229R.
Identifiers: ClinVar variation 3386175 (VCV003386175.1).

ClinVar aggregate classification (germline): Uncertain significance (1 of 4 stars; one submission).

Conditions:
Tuberous sclerosis syndrome (TSC). Also called: Tuberous Sclerosis Complex; Tuberous sclerosis. Identifiers: Orphanet 805, MedGen C0041341, MONDO:0001734.

Submission:

All of Us Research Program, National Institutes of Health
Classification: Uncertain significance for Tuberous sclerosis syndrome. Last evaluated: 2024-03-05. Review status: criteria provided, single submitter. Criteria: ACMG Guidelines, 2015. Collection method: clinical testing. Allele origin: germline. Inheritance: Autosomal dominant inheritance. Observed: 1 variant allele, 1 heterozygote.
Comment: This study involves interpretation of variants in research participants for the purpose of population health screening. Participant phenotype was not available at the time of variant classification. Additional details can be found in publication PMID: 35346344, PMCID: PMC8962531